The following is an entry in ClinVar:

ClinVar aggregate classification (germline): Uncertain significance. Review status: criteria provided, multiple submitters, no conflicts (2 of 4 stars). 4 submissions from 4 submitters: Uncertain significance (3). 1 of the submissions does not count toward it. Last evaluated 2025-05-18.

Conditions:
Bloom syndrome (BLM). Also called: Bloom-Torre-Machacek syndrome. Identifiers: Orphanet 125, MedGen C0005859, MONDO:0008876, OMIM 210900.
Hereditary cancer-predisposing syndrome. Also called: Tumor predisposition; Hereditary neoplastic syndrome; Neoplastic Syndromes, Hereditary; Hereditary Cancer Syndrome. Identifiers: Orphanet 140162, MedGen C0027672, MeSH D009386, MONDO:0015356.

Allele frequency attached by ClinVar (database versions not stated): gnomAD 0.00001; gnomAD exomes 0.00001; ExAC 0.00002; TOPMed 0.00002.
gnomAD v4.1: 15 of 1,613,072 alleles (0.00093%); highest among the groups gnomAD compares: East Asian, 0.0045%; no homozygotes.

Submissions (4):

Ambry Genetics
Classification: Uncertain significance for Hereditary cancer-predisposing syndrome. Last evaluated: 2025-05-18. Review status: criteria provided, single submitter. Criteria: Ambry Variant Classification Scheme 2023. Collection method: clinical testing. Allele origin: germline.

Labcorp Genetics (formerly Invitae), Labcorp
Classification: Uncertain significance for Bloom syndrome. Last evaluated: 2025-03-15. Review status: criteria provided, single submitter. Criteria: Invitae Variant Classification Sherloc (09022015). Collection method: clinical testing. Allele origin: germline.
Comment: This sequence change replaces serine, which is neutral and polar, with leucine, which is neutral and non-polar, at codon 426 of the BLM protein (p.Ser426Leu). This variant is present in population databases (rs768127491, gnomAD 0.002%). This variant has not been reported in the literature in individuals affected with BLM-related conditions. ClinVar contains an entry for this variant (Variation ID: 818776). Invitae Evidence Modeling of protein sequence and biophysical properties (such as structural, functional, and spatial information, amino acid conservation, physicochemical variation, residue mobility, and thermodynamic stability) indicates that this missense variant is not expected to disrupt BLM protein function with a negative predictive value of 80%. In summary, the available evidence is currently insufficient to determine the role of this variant in disease. Therefore, it has been classified as a Variant of Uncertain Significance.

Fulgent Genetics
Classification: Uncertain significance for Bloom syndrome. Last evaluated: 2022-05-16. Review status: criteria provided, single submitter. Criteria: ACMG Guidelines, 2015. Collection method: clinical testing. Allele origin: unknown.

Natera, Inc.
Classification: Uncertain significance for Bloom syndrome. Last evaluated: 2018-08-16. Review status: no assertion criteria provided. Collection method: clinical testing. Allele origin: germline. Not counted in ClinVar's aggregate classification.

NM_000057.4(BLM):c.1277C>T (p.Ser426Leu)

Gene: BLM (BLM RecQ like helicase; plus strand). Cytogenetic location: 15q26.1.
Variant type: single nucleotide variant.
Coding change: c.1277C>T on transcript NM_000057.4 (MANE Select); coding-DNA position 1277, C replaced by T.
Protein change: p.Ser426Leu; replaces serine 426 with leucine.
Molecular consequence: missense variant.
Genome position (GRCh38, 1-based): chr15:90,760,650, C>T. VCF-style: chr15-90760650-C-T. GRCh37 (hg19) VCF-style: chr15-91303880-C-T.
Other names: c.1277C>T, p.Ser426Leu (NM_001287246.2, NM_001287247.2); c.152C>T, p.Ser51Leu (NM_001287248.2); short protein forms S51L, S426L.
Identifiers: ClinVar variation 818776 (VCV000818776.15), dbSNP rs768127491, ClinGen allele CA7738513.